The following is an entry in ClinVar:

ClinVar aggregate classification (germline): Pathogenic (1 of 4 stars; one submission).

Conditions:
Congenital glaucoma. Identifiers: MedGen C0020302, MONDO:0020366.

Submission:

Labcorp Genetics (formerly Invitae), Labcorp
Classification: Pathogenic for Congenital glaucoma. Last evaluated: 2024-01-31. Review status: criteria provided, single submitter. Criteria: Invitae Variant Classification Sherloc (09022015). Collection method: clinical testing. Allele origin: germline.
Comment: This sequence change creates a premature translational stop signal (p.Met293Thrfs*2) in the CYP1B1 gene. It is expected to result in an absent or disrupted protein product. Loss-of-function variants in CYP1B1 are known to be pathogenic (PMID: 9097971, 9497261, 19234632). This variant is not present in population databases (gnomAD no frequency). This variant has not been reported in the literature in individuals affected with CYP1B1-related conditions. For these reasons, this variant has been classified as Pathogenic.

Literature cited by the submitters: PubMed 9097971; PubMed 9497261; PubMed 19234632.

NM_000104.4(CYP1B1):c.873_877dup (p.Met293delinsThrTer)

Gene: CYP1B1 (cytochrome P450 family 1 subfamily B member 1; minus strand). Cytogenetic location: 2p22.2.
Variant type: Duplication.
Coding change: c.873_877dup on transcript NM_000104.4 (MANE Select); coding-DNA positions 873 to 877, 5 bases duplicated (CATGA; older notation c.873_877dupCATGA).
Protein change: p.Met293delinsThrTer.
Molecular consequence: nonsense.
Genome position (GRCh38, 1-based): chr2:38,074,512-38,074,516, TCATG duplicated on the plus strand (CATGA on the coding strand, the reverse complement: CYP1B1 is on the minus strand); duplicating any 5 consecutive bases within chr2:38,074,512-38,074,518 gives the same sequence; the c. name uses the placement nearest the transcript's 3' end. VCF-style (leftmost placement, unchanged base first): chr2-38074511-A-ATCATG. GRCh37 (hg19) VCF-style: chr2-38301654-A-ATCATG.
Identifiers: ClinVar variation 2710978 (VCV002710978.3), dbSNP rs2465883235, ClinGen allele CA2697548005.